The following is an entry in ClinVar:

ClinVar aggregate classification (germline): Uncertain significance (1 of 4 stars; one submission).

Submission:

Labcorp Genetics (formerly Invitae), Labcorp
Classification: Uncertain significance. Last evaluated: 2022-08-06. Review status: criteria provided, single submitter. Criteria: Invitae Variant Classification Sherloc (09022015). Collection method: clinical testing. Allele origin: germline.
Comment: This variant is not present in population databases (gnomAD no frequency). This variant, c.1618_1629dup, results in the insertion of 4 amino acid(s) of the BCL11B protein (p.Glu540_Glu543dup), but otherwise preserves the integrity of the reading frame. This variant has not been reported in the literature in individuals affected with BCL11B-related conditions. In summary, the available evidence is currently insufficient to determine the role of this variant in disease. Therefore, it has been classified as a Variant of Uncertain Significance.

NM_138576.4(BCL11B):c.1603GAG[13] (p.Glu543_Leu544insGluGluGluGlu)

Gene: BCL11B (BCL11 transcription factor B; minus strand). Cytogenetic location: 14q32.2.
Variant type: Microsatellite.
Coding change: c.1603GAG[13] on transcript NM_138576.4 (MANE Select); 13 copies in a row of the 3-base unit GAG starting at c.1603; the reference has nine copies in a row; four copies, 12 bases duplicated.
Protein change: p.Glu543_Leu544insGluGluGluGlu.
Molecular consequence: inframe insertion.
Genome position (GRCh38, 1-based): chr14:99,175,207-99,175,218, CTCCTCCTCCTC duplicated on the plus strand (GAGGAGGAGGAG on the coding strand, the reverse complement: BCL11B is on the minus strand); duplicating any 12 consecutive bases within chr14:99,175,207-99,175,233 gives the same sequence; the position shown is the placement nearest the transcript's 3' end. VCF-style (leftmost placement, unchanged base first): chr14-99175206-G-GCTCCTCCTCCTC. GRCh37 (hg19) VCF-style: chr14-99641543-G-GCTCCTCCTCCTC.
Other names: c.1600GAG[13], p.Glu542_Leu543insGluGluGluGlu (NM_001282237.2); c.1387GAG[13], p.Glu471_Leu472insGluGluGluGlu (NM_001282238.2); c.1390GAG[13], p.Glu472_Leu473insGluGluGluGlu (NM_022898.3).
Identifiers: ClinVar variation 1920498 (VCV001920498.5), dbSNP rs761352760, ClinGen allele CA2580613763.